The following is an entry in ClinVar:

ClinVar aggregate classification (germline): Uncertain significance. Review status: criteria provided, multiple submitters, no conflicts (2 of 4 stars). 3 submissions from 3 submitters: Uncertain significance (3). Last evaluated 2024-07-02.

Conditions:
Pancytopenia-developmental delay syndrome. Also called: Bone marrow failure syndrome 2. Identifiers: Orphanet 401764, MedGen C3810350, MONDO:0014317, OMIM 615715.

Submissions (3):

St. Jude Molecular Pathology, St. Jude Children's Research Hospital
Classification: Uncertain significance for Pancytopenia-developmental delay syndrome. Last evaluated: 2024-07-02. Review status: criteria provided, single submitter. Criteria: St. Jude Assertion Criteria 2020. Collection method: clinical testing. Allele origin: germline.
Comment: The ERCC6L2 c.4274A>G (p.Lys1425Arg) missense change is absent in gnomAD v2.1.1. In silico tools predict a benign effect on protein function, but this prediction has not been confirmed by functional studies. To our knowledge, this variant has not been reported in individuals with ERCC6L2-associated bone marrow failure syndrome. In summary, the evidence currently available is insufficient to determine the clinical significance of this variant. It has therefore been classified as of uncertain significance.

Labcorp Genetics (formerly Invitae), Labcorp
Classification: Uncertain significance. Last evaluated: 2022-08-15. Review status: criteria provided, single submitter. Criteria: Invitae Variant Classification Sherloc (09022015). Collection method: clinical testing. Allele origin: germline.
Comment: This sequence change replaces lysine, which is basic and polar, with arginine, which is basic and polar, at codon 1425 of the ERCC6L2 protein (p.Lys1425Arg). This variant is not present in population databases (gnomAD no frequency). This variant has not been reported in the literature in individuals affected with ERCC6L2-related conditions. ClinVar contains an entry for this variant (Variation ID: 802504). Algorithms developed to predict the effect of missense changes on protein structure and function are either unavailable or do not agree on the potential impact of this missense change (SIFT: "Tolerated"; PolyPhen-2: "Not Available"; Align-GVGD: "Class C0"). In summary, the available evidence is currently insufficient to determine the role of this variant in disease. Therefore, it has been classified as a Variant of Uncertain Significance.

Mendelics
Classification: Uncertain significance for Pancytopenia-developmental delay syndrome. Last evaluated: 2019-05-28. Review status: criteria provided, single submitter. Criteria: Mendelics Assertion Criteria 2017. Collection method: clinical testing. Allele origin: unknown.

NM_020207.7(ERCC6L2):c.4241A>G (p.Lys1414Arg)

Gene: ERCC6L2 (ERCC excision repair 6 like 2; plus strand). Cytogenetic location: 9q22.32.
Variant type: single nucleotide variant.
Coding change: c.4241A>G on transcript NM_020207.7 (MANE Select); coding-DNA position 4241, A replaced by G.
Protein change: p.Lys1414Arg; replaces lysine 1414 with arginine.
Molecular consequence: missense variant. On other transcripts: non-coding transcript variant (1), intron variant (2).
Genome position (GRCh38, 1-based): chr9:96,012,791, A>G. VCF-style: chr9-96012791-A-G. GRCh37 (hg19) VCF-style: chr9-98775073-A-G.
Other names: c.3674+8090A>G (NM_001375291.1, NM_001375292.1); c.4274A>G (NM_020207.5); short protein forms K1414R.
Identifiers: ClinVar variation 802504 (VCV000802504.4), dbSNP rs1588056898, ClinGen allele CA466122866.
Genomic context (GRCh38, chr9:96,012,791, plus strand): 5'-GAAGGTTAGAAAATACCATGAAAGACCAACAGGACCTCACAAGAACGGGCATTTCAAGAA[A>G]AGAACCCCTTCTCAAATTGGAAAACAAAAAGATAGAAAATCCAGTGCTGGAAAATACTTC-3'
Protein context (NP_064592.3, residues 1404-1424): QDLTRTGISR[Lys1414Arg]EPLLKLENKK